The following is an entry in ClinVar:

NM_206933.4(USH2A):c.8146G>A (p.Glu2716Lys)

Gene: USH2A (usherin; minus strand). Cytogenetic location: 1q41.
Variant type: single nucleotide variant.
Coding change: c.8146G>A on transcript NM_206933.4 (MANE Select); coding-DNA position 8146, G replaced by A.
Protein change: p.Glu2716Lys; replaces glutamic acid 2716 with lysine.
Molecular consequence: missense variant.
Genome position (GRCh38, 1-based): chr1:215,888,503, C>T on the plus strand (G>A on the coding strand, the complement: USH2A is on the minus strand). VCF-style: chr1-215888503-C-T. GRCh37 (hg19) VCF-style: chr1-216061845-C-T.
Other names: short protein forms E2716K.
Identifiers: ClinVar variation 762734 (VCV000762734.21), dbSNP rs531822235, ClinGen allele CA1394676.

ClinVar aggregate classification (germline): Conflicting classifications of pathogenicity. Review status: criteria provided, conflicting classifications (1 of 4 stars). 7 submissions from 6 submitters: Uncertain significance (2); Likely benign (4). 1 of the submissions does not count toward it. Last evaluated 2026-01-27.

Conditions:
Retinitis pigmentosa 39 (RP39). Identifiers: Orphanet 791, MedGen C3151138, MONDO:0013436, OMIM 613809.
USH2A-related disorder. Also called: USH2A-related condition; USH2A-related disorders. Identifiers: MedGen CN239332.
Usher syndrome type 2A. Also called: RETINAL DISEASE IN USHER SYNDROME TYPE IIA, MODIFIER OF; USHER SYNDROME, TYPE IIA. Identifiers: Orphanet 231178, Orphanet 886, MedGen C1848634, MONDO:0010169, OMIM 276901.

Allele frequency attached by ClinVar (database versions not stated): gnomAD 0.00004 and 0.00018; TOPMed 0.00006; gnomAD exomes 0.00027 and 0.00057; ExAC 0.00054; 1000 Genomes Project 30x 0.00109; 1000 Genomes Project 0.00140.
gnomAD v4.1: 429 of 1,614,158 alleles (0.027%); highest among the groups gnomAD compares: South Asian, 0.37%; 5 homozygotes.

Submissions (7):

Labcorp Genetics (formerly Invitae), Labcorp
Classification: Likely benign. Last evaluated: 2026-01-27. Review status: criteria provided, single submitter. Criteria: Invitae Variant Classification Sherloc (09022015). Collection method: clinical testing. Allele origin: germline.

PreventionGenetics, part of Exact Sciences
Classification: Likely benign for USH2A-related condition. Last evaluated: 2024-11-22. Review status: criteria provided, single submitter. Criteria: ACMG Guidelines, 2015. Collection method: clinical testing. Allele origin: germline.
Comment: This variant is classified as likely benign based on ACMG/AMP sequence variant interpretation guidelines (Richards et al. 2015 PMID: 25741868, with internal and published modifications).

Blueprint Genetics
Classification: Likely benign. Last evaluated: 2024-09-13. Review status: criteria provided, single submitter. Criteria: ACMG Guidelines, 2015. Collection method: clinical testing. Allele origin: germline.

Genome-Nilou Lab
Classification: Uncertain significance for Usher syndrome type 2A. Last evaluated: 2021-07-22. Review status: criteria provided, single submitter. Criteria: ACMG Guidelines, 2015. Collection method: clinical testing. Allele origin: germline. Affected: no.

Genome-Nilou Lab
Classification: Uncertain significance for Retinitis pigmentosa 39. Last evaluated: 2021-07-22. Review status: criteria provided, single submitter. Criteria: ACMG Guidelines, 2015. Collection method: clinical testing. Allele origin: germline. Affected: no.

GeneDx
Classification: Likely benign. Last evaluated: 2020-07-28. Review status: criteria provided, single submitter. Criteria: GeneDx Variant Classification Process June 2021. Collection method: clinical testing. Allele origin: germline. Affected: yes.

Natera, Inc.
Classification: Uncertain significance for Usher syndrome type 2A. Last evaluated: 2020-06-21. Review status: no assertion criteria provided. Collection method: clinical testing. Allele origin: germline. Not counted in ClinVar's aggregate classification.